The following is an entry in ClinVar:

NM_004991.4(MECOM):c.3625C>T (p.Leu1209Phe)

Gene: MECOM (MDS1 and EVI1 complex locus; minus strand). Cytogenetic location: 3q26.2.
Variant type: single nucleotide variant.
Coding change: c.3625C>T on transcript NM_004991.4 (MANE Select); coding-DNA position 3625, C replaced by T.
Protein change: p.Leu1209Phe; replaces leucine 1209 with phenylalanine.
Molecular consequence: missense variant.
Genome position (GRCh38, 1-based): chr3:169,085,004, G>A on the plus strand (C>T on the coding strand, the complement: MECOM is on the minus strand). VCF-style: chr3-169085004-G-A. GRCh37 (hg19) VCF-style: chr3-168802792-G-A.
Other names: c.3256C>T, p.Leu1086Phe (NM_001105077.4); c.3061C>T, p.Leu1021Phe (NM_001105078.4, NM_001205194.2, NM_001366469.2 and 1 more transcripts); c.3037C>T, p.Leu1013Phe (NM_001163999.2, NM_001366470.2); c.3034C>T, p.Leu1012Phe (NM_001164000.2, NM_001366471.2, NM_001366472.2); c.3598C>T, p.Leu1200Phe (NM_001366466.2); c.3064C>T, p.Leu1022Phe (NM_001366467.2, NM_001366468.2); c.2626C>T, p.Leu876Phe (NM_001366473.2); c.2062C>T, p.Leu688Phe (NM_001366474.2); short protein forms L1200F, L1209F, L1013F, L1021F, L688F, L1012F, L1022F, L1086F.
Identifiers: ClinVar variation 3871639 (VCV003871639.1).

ClinVar aggregate classification (germline): Uncertain significance (1 of 4 stars; one submission).

Conditions:
Inborn genetic diseases. Identifiers: MedGen C0950123, MeSH D030342.

gnomAD v4.1: 7 of 1,614,024 alleles (0.00043%); highest among the groups gnomAD compares: African/African-American, 0.0093%; no homozygotes.

Submission:

Ambry Genetics
Classification: Uncertain significance for Inborn genetic diseases. Last evaluated: 2024-12-23. Review status: criteria provided, single submitter. Criteria: Ambry Variant Classification Scheme 2023. Collection method: clinical testing. Allele origin: germline.
Comment: The p.L1209F variant (also known as c.3625C>T), located in coding exon 17 of the MECOM gene, results from a C to T substitution at nucleotide position 3625. The leucine at codon 1209 is replaced by phenylalanine, an amino acid with highly similar properties. This amino acid position is conserved. In addition, this alteration is predicted to be tolerated by in silico analysis. Based on the available evidence, the clinical significance of this variant remains unclear.